The following is an entry in ClinVar:

ClinVar aggregate classification (germline): Uncertain significance (1 of 4 stars; one submission).

Submission:

Labcorp Genetics (formerly Invitae), Labcorp
Classification: Uncertain significance. Last evaluated: 2024-07-24. Review status: criteria provided, single submitter. Criteria: Invitae Variant Classification Sherloc (09022015). Collection method: clinical testing. Allele origin: germline.
Comment: This sequence change affects a donor splice site in intron 2 of the APOA5 gene. It is expected to disrupt RNA splicing. Variants that disrupt the donor or acceptor splice site typically lead to a loss of protein function (PMID: 16199547), however the current clinical and genetic evidence is not sufficient to establish whether loss-of-function variants in APOA5 cause disease. This variant is not present in population databases (gnomAD no frequency). Disruption of this splice site has been observed in individual(s) with autosomal dominant chylomicronemia (PMID: 19410254, 36325899). This variant is also known as IVS2+1. Algorithms developed to predict the effect of sequence changes on RNA splicing suggest that this variant may disrupt the consensus splice site. In summary, the available evidence is currently insufficient to determine the role of this variant in disease. Therefore, it has been classified as a Variant of Uncertain Significance.

Literature cited by the submitters: PubMed 16199547; PubMed 19410254; PubMed 36325899.

NM_001371904.1(APOA5):c.49+1G>A

Genes: APOA5 (apolipoprotein A5; minus strand), LOC108491825 (enhancer-blocking element 11-1-2 overlapping APOA5; plus strand). Cytogenetic location: 11q23.3.
Variant type: single nucleotide variant.
Coding change: c.49+1G>A on transcript NM_001371904.1 (MANE Select); the canonical splice donor site of the intron after coding-DNA position 49, G replaced by A.
Molecular consequence: splice donor variant.
Genome position (GRCh38, 1-based): chr11:116,791,811, C>T on the plus strand (G>A on the coding strand, the complement: APOA5 is on the minus strand). VCF-style: chr11-116791811-C-T. GRCh37 (hg19) VCF-style: chr11-116662527-C-T.
Other names: c.49+1G>A (NM_001166598.2, NM_052968.5).
Identifiers: ClinVar variation 3721096 (VCV003721096.2).
Genomic context (GRCh38, chr11:116,791,811, plus strand): 5'-CAGGGCCCTCTGGCCAGCCTCCACCCACACCCCCACGTTGAAGTCAGGGTCGGAGACCCA[C>T]CTGAAAGAAGAGCCAGAGCCCAGGTGAGCACGGCAGCCATGCTTGCCATTACCTGCTCTG-3'